The following is an entry in ClinVar:

ClinVar aggregate classification (germline): Conflicting classifications of pathogenicity. Review status: criteria provided, conflicting classifications (1 of 4 stars). 3 submissions from 3 submitters: Uncertain significance (1); Likely benign (2). Last evaluated 2026-01-27.

Conditions:
Hereditary spastic paraplegia 48. Also called: SPASTIC PARAPLEGIA 48, AUTOSOMAL RECESSIVE; Spastic paraplegia 48. Identifiers: Orphanet 306511, MedGen C3150901, MONDO:0013342, OMIM 613647.

Allele frequency attached by ClinVar (database versions not stated): TOPMed 0.00007; gnomAD 0.00009; gnomAD exomes 0.00009; ExAC 0.00012; ESP Exome Variant Server 0.00015; 1000 Genomes Project 30x 0.00016; 1000 Genomes Project 0.00020.
gnomAD v4.1: 206 of 1,613,404 alleles (0.013%); highest among the groups gnomAD compares: Non-Finnish European, 0.017%; no homozygotes.

Submissions (3):

Labcorp Genetics (formerly Invitae), Labcorp
Classification: Likely benign for Hereditary spastic paraplegia 48. Last evaluated: 2026-01-27. Review status: criteria provided, single submitter. Criteria: Invitae Variant Classification Sherloc (09022015). Collection method: clinical testing. Allele origin: germline.

Blueprint Genetics
Classification: Likely benign. Last evaluated: 2024-10-14. Review status: criteria provided, single submitter. Criteria: ACMG Guidelines, 2015. Collection method: clinical testing. Allele origin: germline.

GeneDx
Classification: Uncertain significance. Last evaluated: 2021-06-04. Review status: criteria provided, single submitter. Criteria: GeneDx Variant Classification Process June 2021. Collection method: clinical testing. Allele origin: germline. Affected: yes.
Comment: In-silico analysis, which includes splice predictors and evolutionary conservation, is inconclusive as to whether the variant alters gene splicing. In the absence of RNA/functional studies, the actual effect of this sequence change is unknown.; Has not been previously published as pathogenic or benign to our knowledge; This variant is associated with the following publications: (PMID: 27535533)

NM_014855.3(AP5Z1):c.970-12C>G

Gene: AP5Z1 (adaptor related protein complex 5 subunit zeta 1; plus strand). Cytogenetic location: 7p22.1.
Variant type: single nucleotide variant.
Coding change: c.970-12C>G on transcript NM_014855.3 (MANE Select); 12 bases into the intron before coding-DNA position 970, C replaced by G.
Molecular consequence: intron variant.
Genome position (GRCh38, 1-based): chr7:4,785,510, C>G. VCF-style: chr7-4785510-C-G. GRCh37 (hg19) VCF-style: chr7-4825141-C-G.
Other names: c.502-12C>G (NM_001364858.1).
Identifiers: ClinVar variation 1201942 (VCV001201942.12), dbSNP rs372506896, ClinGen allele CA4137540.